The following is an entry in ClinVar:

NM_025132.4(WDR19):c.1172A>G (p.Asn391Ser)

Gene: WDR19 (WD repeat domain 19; plus strand). Cytogenetic location: 4p14.
Variant type: single nucleotide variant.
Coding change: c.1172A>G on transcript NM_025132.4 (MANE Select); coding-DNA position 1172, A replaced by G.
Protein change: p.Asn391Ser; replaces asparagine 391 with serine.
Molecular consequence: missense variant.
Genome position (GRCh38, 1-based): chr4:39,216,133, A>G. VCF-style: chr4-39216133-A-G. GRCh37 (hg19) VCF-style: chr4-39217753-A-G.
Other names: c.692A>G, p.Asn231Ser (NM_001317924.2); short protein forms N231S, N391S.
Identifiers: ClinVar variation 963718 (VCV000963718.7), dbSNP rs758716599, ClinGen allele CA2891790.

ClinVar aggregate classification (germline): Uncertain significance. Review status: criteria provided, multiple submitters, no conflicts (2 of 4 stars). 3 submissions from 3 submitters: Uncertain significance (3). Last evaluated 2024-08-08.

Conditions:
Spermatogenic failure 72 (SPGF72). Identifiers: MedGen C5676980, MONDO:0030809, OMIM 619867.
Asphyxiating thoracic dystrophy 5 (SRTD5). Also called: SHORT-RIB THORACIC DYSPLASIA 5 WITH OR WITHOUT POLYDACTYLY; SHORT-RIB THORACIC DYSPLASIA 5 WITHOUT POLYDACTYLY. Identifiers: Orphanet 474, MedGen C3280598, MONDO:0013717, OMIM 614376.
Nephronophthisis 13 (NPHP13). Identifiers: Orphanet 655, MedGen C3280612, MONDO:0013718, OMIM 614377.
Cranioectodermal dysplasia 4 (CED4). Identifiers: Orphanet 1515, MedGen C3280616, MONDO:0013719, OMIM 614378.
Senior-Loken syndrome 8 (SLSN8). Identifiers: Orphanet 3156, MedGen C4225376, MONDO:0014579, OMIM 616307.

Allele frequency attached by ClinVar (database versions not stated): gnomAD exomes 0.00002 and 0.00005; gnomAD 0.00006; TOPMed 0.00008; ExAC 0.00009.
gnomAD v4.1: 43 of 1,594,298 alleles (0.0027%); highest among the groups gnomAD compares: African/African-American, 0.031%; no homozygotes.

Submissions (3):

Blueprint Genetics
Classification: Uncertain significance. Last evaluated: 2024-08-08. Review status: criteria provided, single submitter. Criteria: ACMG Guidelines, 2015. Collection method: clinical testing. Allele origin: germline.

Labcorp Genetics (formerly Invitae), Labcorp
Classification: Uncertain significance for Senior-Loken syndrome 8; Asphyxiating thoracic dystrophy 5. Last evaluated: 2022-08-23. Review status: criteria provided, single submitter. Criteria: Invitae Variant Classification Sherloc (09022015). Collection method: clinical testing. Allele origin: germline.
Comment: This sequence change replaces asparagine, which is neutral and polar, with serine, which is neutral and polar, at codon 391 of the WDR19 protein (p.Asn391Ser). This variant is present in population databases (rs758716599, gnomAD 0.02%). This variant has not been reported in the literature in individuals affected with WDR19-related conditions. ClinVar contains an entry for this variant (Variation ID: 963718). Algorithms developed to predict the effect of missense changes on protein structure and function output the following: SIFT: "Tolerated"; PolyPhen-2: "Benign"; Align-GVGD: "Class C0". The serine amino acid residue is found in multiple mammalian species, which suggests that this missense change does not adversely affect protein function. Algorithms developed to predict the effect of sequence changes on RNA splicing suggest that this variant may create or strengthen a splice site. In summary, the available evidence is currently insufficient to determine the role of this variant in disease. Therefore, it has been classified as a Variant of Uncertain Significance.

Fulgent Genetics
Classification: Uncertain significance for Asphyxiating thoracic dystrophy 5; Nephronophthisis 13; Cranioectodermal dysplasia 4; Senior-Loken syndrome 8; Spermatogenic failure 72. Last evaluated: 2021-11-15. Review status: criteria provided, single submitter. Criteria: ACMG Guidelines, 2015. Collection method: clinical testing. Allele origin: unknown.